The following is an entry in ClinVar:

ClinVar aggregate classification (germline): Uncertain significance. Review status: criteria provided, multiple submitters, no conflicts (2 of 4 stars). 2 submissions from 2 submitters: Uncertain significance (2). Last evaluated 2024-04-25.

Conditions:
Inborn genetic diseases. Identifiers: MedGen C0950123, MeSH D030342.
Brachyolmia-amelogenesis imperfecta syndrome. Also called: PLATYSPONDYLY WITH AMELOGENESIS IMPERFECTA; Tooth agenesis, selective, 6; Dental anomalies and short stature. Identifiers: Orphanet 2899, MedGen C1832594, MONDO:0011018, OMIM 601216. Disease mechanism: loss of function.

Submissions (2):

Labcorp Genetics (formerly Invitae), Labcorp
Classification: Uncertain significance for Brachyolmia-amelogenesis imperfecta syndrome. Last evaluated: 2024-04-25. Review status: criteria provided, single submitter. Criteria: Invitae Variant Classification Sherloc (09022015). Collection method: clinical testing. Allele origin: germline.
Comment: This sequence change replaces proline, which is neutral and non-polar, with leucine, which is neutral and non-polar, at codon 1299 of the LTBP3 protein (p.Pro1299Leu). This variant is not present in population databases (gnomAD no frequency). This variant has not been reported in the literature in individuals affected with LTBP3-related conditions. ClinVar contains an entry for this variant (Variation ID: 1735941). An algorithm developed to predict the effect of missense changes on protein structure and function (PolyPhen-2) suggests that this variant is likely to be disruptive. In summary, the available evidence is currently insufficient to determine the role of this variant in disease. Therefore, it has been classified as a Variant of Uncertain Significance.

Ambry Genetics
Classification: Uncertain significance for Inborn genetic diseases. Last evaluated: 2021-12-24. Review status: criteria provided, single submitter. Criteria: Ambry Variant Classification Scheme 2023. Collection method: clinical testing. Allele origin: germline.
Comment: The p.P1299L variant (also known as c.3896C>T), located in coding exon 28 of the LTBP3 gene, results from a C to T substitution at nucleotide position 3896. The proline at codon 1299 is replaced by leucine, an amino acid with similar properties. This amino acid position is conserved. In addition, the in silico prediction for this alteration is inconclusive. Since supporting evidence is limited at this time, the clinical significance of this alteration remains unclear.

NM_001130144.3(LTBP3):c.3896C>T (p.Pro1299Leu)

Gene: LTBP3 (latent transforming growth factor beta binding protein 3; minus strand). Cytogenetic location: 11q13.1.
Variant type: single nucleotide variant.
Coding change: c.3896C>T on transcript NM_001130144.3 (MANE Select); coding-DNA position 3896, C replaced by T.
Protein change: p.Pro1299Leu; replaces proline 1299 with leucine.
Molecular consequence: missense variant.
Genome position (GRCh38, 1-based): chr11:65,539,096, G>A on the plus strand (C>T on the coding strand, the complement: LTBP3 is on the minus strand). VCF-style: chr11-65539096-G-A. GRCh37 (hg19) VCF-style: chr11-65306567-G-A.
Other names: c.3404C>T, p.Pro1135Leu (NM_001164266.1); c.3755C>T, p.Pro1252Leu (NM_021070.4); short protein forms P1299L, P1135L, P1252L.
Identifiers: ClinVar variation 1735941 (VCV001735941.4), dbSNP rs1360222605, ClinGen allele CA381265773.
Genomic context (GRCh38, chr11:65,539,096, plus strand): 5'-CTCAGTGATCACCGAGGTCTGGGCCGAGGGCGGCGTCGGCGGCGTCAGCGGCGGCGCTGG[G>A]GAACGCAGGCCCCGTGCGGGCGGCTGCGCGCGAAGCCGGCTTTGCAGACGCAGCGGAAGG-3'
Protein context (NP_001123616.1, residues 1289-1303): ARSRPHGACV[Pro1299Leu]QRRR